The following is an entry in ClinVar:

ClinVar aggregate classification (germline): Uncertain significance (1 of 4 stars; one submission).

Allele frequency attached by ClinVar (database versions not stated): gnomAD 0.00008; gnomAD exomes 0.00012; TOPMed 0.00008; ExAC 0.00009.
gnomAD v4.1: 191 of 1,605,984 alleles (0.012%); highest among the groups gnomAD compares: Middle Eastern, 0.016%; no homozygotes.

Submission:

Labcorp Genetics (formerly Invitae), Labcorp
Classification: Uncertain significance. Last evaluated: 2022-07-04. Review status: criteria provided, single submitter. Criteria: Invitae Variant Classification Sherloc (09022015). Collection method: clinical testing. Allele origin: germline.
Comment: This variant has not been reported in the literature in individuals affected with QRSL1-related conditions. In summary, the available evidence is currently insufficient to determine the role of this variant in disease. Therefore, it has been classified as a Variant of Uncertain Significance. Algorithms developed to predict the effect of missense changes on protein structure and function (SIFT, PolyPhen-2, Align-GVGD) all suggest that this variant is likely to be tolerated. This variant is present in population databases (rs781233024, gnomAD 0.01%). This sequence change replaces arginine, which is basic and polar, with tryptophan, which is neutral and slightly polar, at codon 4 of the QRSL1 protein (p.Arg4Trp).

NM_018292.5(QRSL1):c.10C>T (p.Arg4Trp)

Genes: QRSL1 (glutaminyl-tRNA amidotransferase subunit QRSL1; plus strand), RTN4IP1 (reticulon 4 interacting protein 1; minus strand), LOC129996910 (ATAC-STARR-seq lymphoblastoid active region 24892; plus strand). Cytogenetic location: 6q21.
Variant type: single nucleotide variant.
Coding change: c.10C>T on transcript NM_018292.5 (MANE Select); coding-DNA position 10, C replaced by T.
Protein change: p.Arg4Trp; replaces arginine 4 with tryptophan.
Molecular consequence: missense variant. On other transcripts: intron variant (1).
Genome position (GRCh38, 1-based): chr6:106,629,691, C>T. VCF-style: chr6-106629691-C-T. GRCh37 (hg19) VCF-style: chr6-107077566-C-T.
Other names: c.-27+636G>A (NM_001318746.1); short protein forms R4W.
Identifiers: ClinVar variation 2148273 (VCV002148273.3), dbSNP rs781233024, ClinGen allele CA3944637.